The following is an entry in ClinVar:

ClinVar aggregate classification (germline): Likely benign. Review status: criteria provided, multiple submitters, no conflicts (2 of 4 stars). 3 submissions from 3 submitters: Likely benign (3). Last evaluated 2025-09-10.

Conditions:
Inborn genetic diseases. Identifiers: MedGen C0950123, MeSH D030342.
Pitt-Hopkins-like syndrome 2 (PTHSL2). Identifiers: Orphanet 221150, Orphanet 600663, MedGen C3280479, MONDO:0013690, OMIM 614325.

Allele frequency attached by ClinVar (database versions not stated): gnomAD exomes below 0.00001; ExAC 0.00001; TOPMed 0.00001.
gnomAD v4.1: 9 of 1,601,906 alleles (0.00056%); highest among the groups gnomAD compares: Admixed American, 0.005%; no homozygotes.

Submissions (3):

Labcorp Genetics (formerly Invitae), Labcorp
Classification: Likely benign for Pitt-Hopkins-like syndrome 2. Last evaluated: 2025-09-10. Review status: criteria provided, single submitter. Criteria: Invitae Variant Classification Sherloc (09022015). Collection method: clinical testing. Allele origin: germline.

Ambry Genetics
Classification: Likely benign for Inborn genetic diseases. Last evaluated: 2017-02-28. Review status: criteria provided, single submitter. Criteria: Ambry Variant Classification Scheme 2023. Collection method: clinical testing. Allele origin: germline.

GeneDx
Classification: Likely benign. Last evaluated: 2015-12-03. Review status: criteria provided, single submitter. Criteria: GeneDx Variant Classification (06012015). Collection method: clinical testing. Allele origin: germline. Affected: yes.
Comment: This variant is considered likely benign or benign based on one or more of the following criteria: it is a conservative change, it occurs at a poorly conserved position in the protein, it is predicted to be benign by multiple in silico algorithms, and/or has population frequency not consistent with disease.

NM_001330078.2(NRXN1):c.300T>G (p.Pro100=)

Gene: NRXN1 (neurexin 1; minus strand). Cytogenetic location: 2p16.3.
Variant type: single nucleotide variant.
Coding change: c.300T>G on transcript NM_001330078.2 (MANE Select); coding-DNA position 300, T replaced by G.
Protein change: p.Pro100=; no amino-acid change (proline 100 retained).
Molecular consequence: synonymous variant.
Genome position (GRCh38, 1-based): chr2:51,027,974, A>C on the plus strand (T>G on the coding strand, the complement: NRXN1 is on the minus strand). VCF-style: chr2-51027974-A-C. GRCh37 (hg19) VCF-style: chr2-51255112-A-C.
Other names: c.300T>G, p.Pro100= (NM_001135659.3, NM_001330077.2, NM_001330079.2 and 15 more transcripts).
Identifiers: ClinVar variation 381964 (VCV000381964.14), dbSNP rs753793668, ClinGen allele CA1655527.